The following is an entry in ClinVar:

NM_001013838.3(CARMIL2):c.2306C>T (p.Ser769Phe)

Gene: CARMIL2 (capping protein regulator and myosin 1 linker 2; plus strand). Cytogenetic location: 16q22.1.
Variant type: single nucleotide variant.
Coding change: c.2306C>T on transcript NM_001013838.3 (MANE Select); coding-DNA position 2306, C replaced by T.
Protein change: p.Ser769Phe; replaces serine 769 with phenylalanine.
Molecular consequence: missense variant.
Genome position (GRCh38, 1-based): chr16:67,651,308, C>T. VCF-style: chr16-67651308-C-T. GRCh37 (hg19) VCF-style: chr16-67685211-C-T.
Other names: c.2198C>T, p.Ser733Phe (NM_001317026.3); short protein forms S733F, S769F.
Identifiers: ClinVar variation 1404590 (VCV001404590.7), dbSNP rs1403641742, ClinGen allele CA396340737.

ClinVar aggregate classification (germline): Uncertain significance (1 of 4 stars; one submission).

Allele frequency attached by ClinVar (database versions not stated): gnomAD exomes below 0.00001; TOPMed below 0.00001; gnomAD 0.00001.
gnomAD v4.1: 5 of 1,613,464 alleles (0.00031%); highest among the groups gnomAD compares: Non-Finnish European, 0.00042%; no homozygotes.

Submission:

Labcorp Genetics (formerly Invitae), Labcorp
Classification: Uncertain significance. Last evaluated: 2022-10-05. Review status: criteria provided, single submitter. Criteria: Invitae Variant Classification Sherloc (09022015). Collection method: clinical testing. Allele origin: germline.
Comment: In summary, the available evidence is currently insufficient to determine the role of this variant in disease. Therefore, it has been classified as a Variant of Uncertain Significance. Advanced modeling of protein sequence and biophysical properties (such as structural, functional, and spatial information, amino acid conservation, physicochemical variation, residue mobility, and thermodynamic stability) performed at Invitae indicates that this missense variant is not expected to disrupt CARMIL2 protein function. ClinVar contains an entry for this variant (Variation ID: 1404590). This variant has not been reported in the literature in individuals affected with CARMIL2-related conditions. This variant is present in population databases (no rsID available, gnomAD 0.0009%). This sequence change replaces serine, which is neutral and polar, with phenylalanine, which is neutral and non-polar, at codon 769 of the CARMIL2 protein (p.Ser769Phe).